The following is an entry in ClinVar:

NM_001080517.3(SETD5):c.2000G>C (p.Ser667Thr)

Gene: SETD5 (SET domain containing 5; plus strand). Cytogenetic location: 3p25.3.
Variant type: single nucleotide variant.
Coding change: c.2000G>C on transcript NM_001080517.3 (MANE Select); coding-DNA position 2000, G replaced by C.
Protein change: p.Ser667Thr; replaces serine 667 with threonine.
Molecular consequence: missense variant.
Genome position (GRCh38, 1-based): chr3:9,447,903, G>C. VCF-style: chr3-9447903-G-C. GRCh37 (hg19) VCF-style: chr3-9489587-G-C.
Other names: c.2000G>C (NM_001080517.1); c.1706G>C, p.Ser569Thr (NM_001292043.2, NM_001349451.2); short protein forms S569T, S667T.
Identifiers: ClinVar variation 3622960 (VCV003622960.3).
Genomic context (GRCh38, chr3:9,447,903, plus strand): 5'-CCTTGGAAGAGGGAGGAAGTAACAGTTTAGTAACTCCTACTGAAGCTGGAAGTCTAGACA[G>C]TTCAGGAGAAAACAGGCCATTAACAGGGTCTGACCCAACTGTGGTGTCAATTACTGGATC-3'
Protein context (NP_001073986.1, residues 657-677): VTPTEAGSLD[Ser667Thr]SGENRPLTGS

ClinVar aggregate classification (germline): Uncertain significance. Review status: criteria provided, multiple submitters, no conflicts (2 of 4 stars). 2 submissions from 2 submitters: Uncertain significance (2). Last evaluated 2026-08-31.

Conditions:
Inborn genetic diseases. Identifiers: MedGen C0950123, MeSH D030342.

gnomAD v4.1: 8 of 1,613,842 alleles (0.0005%); highest among the groups gnomAD compares: Middle Eastern, 0.016%; no homozygotes.

Submissions (2):

Ambry Genetics
Classification: Uncertain significance for Inborn genetic diseases. Last evaluated: 2026-08-31. Review status: criteria provided, single submitter. Criteria: Ambry Variant Classification Scheme 2023. Collection method: clinical testing. Allele origin: germline.

Labcorp Genetics (formerly Invitae), Labcorp
Classification: Uncertain significance. Last evaluated: 2024-09-29. Review status: criteria provided, single submitter. Criteria: Invitae Variant Classification Sherloc (09022015). Collection method: clinical testing. Allele origin: germline.
Comment: This sequence change replaces serine, which is neutral and polar, with threonine, which is neutral and polar, at codon 667 of the SETD5 protein (p.Ser667Thr). This variant is not present in population databases (gnomAD no frequency). This variant has not been reported in the literature in individuals affected with SETD5-related conditions. Invitae Evidence Modeling of protein sequence and biophysical properties (such as structural, functional, and spatial information, amino acid conservation, physicochemical variation, residue mobility, and thermodynamic stability) indicates that this missense variant is not expected to disrupt SETD5 protein function with a negative predictive value of 80%. In summary, the available evidence is currently insufficient to determine the role of this variant in disease. Therefore, it has been classified as a Variant of Uncertain Significance.